The following is an entry in ClinVar:

ClinVar aggregate classification (germline): Uncertain significance (1 of 4 stars; one submission).

Conditions:
Short-rib thoracic dysplasia 10 with or without polydactyly (SRTD10). Identifiers: Orphanet 474, MedGen C3810175, MONDO:0014284, OMIM 615630.
Retinitis pigmentosa 71 (RP71). Identifiers: Orphanet 791, MedGen C4225342, MONDO:0014618, OMIM 616394.

gnomAD v4.1: 3 of 1,614,040 alleles (0.00019%); highest among the groups gnomAD compares: South Asian, 0.0011%; no homozygotes.

Submission:

Labcorp Genetics (formerly Invitae), Labcorp
Classification: Uncertain significance for Retinitis pigmentosa 71; Short-rib thoracic dysplasia 10 with or without polydactyly. Last evaluated: 2023-12-04. Review status: criteria provided, single submitter. Criteria: Invitae Variant Classification Sherloc (09022015). Collection method: clinical testing. Allele origin: germline.
Comment: This sequence change replaces arginine, which is basic and polar, with glutamine, which is neutral and polar, at codon 685 of the IFT172 protein (p.Arg685Gln). This variant is present in population databases (no rsID available, gnomAD 0.0009%). This variant has not been reported in the literature in individuals affected with IFT172-related conditions. ClinVar contains an entry for this variant (Variation ID: 1024119). Advanced modeling of protein sequence and biophysical properties (such as structural, functional, and spatial information, amino acid conservation, physicochemical variation, residue mobility, and thermodynamic stability) performed at Invitae indicates that this missense variant is not expected to disrupt IFT172 protein function with a negative predictive value of 80%. In summary, the available evidence is currently insufficient to determine the role of this variant in disease. Therefore, it has been classified as a Variant of Uncertain Significance.

NM_015662.3(IFT172):c.2054G>A (p.Arg685Gln)

Gene: IFT172 (intraflagellar transport 172; minus strand). Cytogenetic location: 2p23.3.
Variant type: single nucleotide variant.
Coding change: c.2054G>A on transcript NM_015662.3 (MANE Select); coding-DNA position 2054, G replaced by A.
Protein change: p.Arg685Gln; replaces arginine 685 with glutamine.
Molecular consequence: missense variant.
Genome position (GRCh38, 1-based): chr2:27,462,762, C>T on the plus strand (G>A on the coding strand, the complement: IFT172 is on the minus strand). VCF-style: chr2-27462762-C-T. GRCh37 (hg19) VCF-style: chr2-27685629-C-T.
Other names: short protein forms R685Q.
Identifiers: ClinVar variation 1024119 (VCV001024119.10), dbSNP rs561676433, ClinGen allele CA44499497.